The following is an entry in ClinVar:

NM_001040108.2(MLH3):c.3232T>C (p.Cys1078Arg)

Gene: MLH3 (mutL homolog 3; minus strand). Cytogenetic location: 14q24.3.
Variant type: single nucleotide variant.
Coding change: c.3232T>C on transcript NM_001040108.2 (MANE Select); coding-DNA position 3232, T replaced by C.
Protein change: p.Cys1078Arg; replaces cysteine 1078 with arginine.
Molecular consequence: missense variant.
Genome position (GRCh38, 1-based): chr14:75,046,424, A>G on the plus strand (T>C on the coding strand, the complement: MLH3 is on the minus strand). VCF-style: chr14-75046424-A-G. GRCh37 (hg19) VCF-style: chr14-75513127-A-G.
Other names: c.3232T>C, p.Cys1078Arg (NM_014381.3); short protein forms C1078R.
Identifiers: ClinVar variation 3295135 (VCV003295135.1).
Genomic context (GRCh38, chr14:75,046,424, plus strand): 5'-CTACGTACTTACCATTCTCAAGTACAACATCCACAGCCACAGTTGTCAGGTCTTTAGTAC[A>G]AGCAGCCTGAATGTCCTCAGTTGGGGCAATGAATGTGCTGAGTCCAGTCATTTTGTTGAC-3'
Protein context (NP_001035197.1, residues 1068-1088): IAPTEDIQAA[Cys1078Arg]TKDLTTVAVD

ClinVar aggregate classification (germline): Uncertain significance (1 of 4 stars; one submission).

Submission:

Ambry Genetics
Classification: Uncertain significance. Last evaluated: 2024-05-09. Review status: criteria provided, single submitter. Criteria: Ambry Variant Classification Scheme 2023. Collection method: clinical testing. Allele origin: germline.
Comment: The p.C1078R variant (also known as c.3232T>C), located in coding exon 1 of the MLH3 gene, results from a T to C substitution at nucleotide position 3232. The cysteine at codon 1078 is replaced by arginine, an amino acid with highly dissimilar properties. This amino acid position is conserved. In addition, this alteration is predicted to be deleterious by in silico analysis. Based on the available evidence, the clinical significance of this variant remains unclear.